The following is an entry in ClinVar:

NM_001348716.2(KDM6B):c.2623G>A (p.Gly875Ser)

Gene: KDM6B (lysine demethylase 6B; plus strand). Cytogenetic location: 17p13.1.
Variant type: single nucleotide variant.
Coding change: c.2623G>A on transcript NM_001348716.2 (MANE Select); coding-DNA position 2623, G replaced by A.
Protein change: p.Gly875Ser; replaces glycine 875 with serine.
Molecular consequence: missense variant.
Genome position (GRCh38, 1-based): chr17:7,848,911, G>A. VCF-style: chr17-7848911-G-A. GRCh37 (hg19) VCF-style: chr17-7752229-G-A.
Other names: c.2623G>A, p.Gly875Ser (NM_001080424.2); short protein forms G875S.
Identifiers: ClinVar variation 3341819 (VCV003341819.16).
Genomic context (GRCh38, chr17:7,848,911, plus strand): 5'-CCTAGCGCCCAGGGCTCCCCACAGCCCTCTGCTTCCTCGTCATCTCAGTTCTCTACCTCA[G>A]GCGGGCCCTGGGCCCGGGAGCGCAGGGCGGGCGAAGAGCCAGTCCCGGGCCCCATGACCC-3'
Protein context (NP_001335645.1, residues 865-885): ASSSSQFSTS[Gly875Ser]GPWARERRAG

ClinVar aggregate classification (germline): Likely benign (1 of 4 stars; one submission).

gnomAD v4.1: 229 of 1,603,400 alleles (0.014%); highest among the groups gnomAD compares: Non-Finnish European, 0.018%; no homozygotes.

Submission:

CeGaT Center for Human Genetics Tuebingen
Classification: Likely benign. Last evaluated: 2026-07-01. Review status: criteria provided, single submitter. Criteria: CeGaT Center For Human Genetics Tuebingen Variant Classification Criteria Version 2. Collection method: clinical testing. Allele origin: germline. Affected: yes. Observed: 2 variant alleles.
Comment: KDM6B: BS2